The following is an entry in ClinVar:

ClinVar aggregate classification (germline): Uncertain significance (1 of 4 stars; one submission).

Conditions:
Immunodeficiency, common variable, 7. Identifiers: Orphanet 1572, Orphanet 696894, MedGen C3542922, MONDO:0013862, OMIM 614699.

Allele frequency attached by ClinVar (database versions not stated): TOPMed 0.00001.

Submission:

Labcorp Genetics (formerly Invitae), Labcorp
Classification: Uncertain significance for Immunodeficiency, common variable, 7. Last evaluated: 2022-08-06. Review status: criteria provided, single submitter. Criteria: Invitae Variant Classification Sherloc (09022015). Collection method: clinical testing. Allele origin: germline.
Comment: Experimental studies and prediction algorithms are not available or were not evaluated, and the functional significance of this variant is currently unknown. In summary, the available evidence is currently insufficient to determine the role of this variant in disease. Therefore, it has been classified as a Variant of Uncertain Significance. This variant has not been reported in the literature in individuals affected with CR2-related conditions. This variant is not present in population databases (gnomAD no frequency). This variant, c.3209_3211del, is a complex sequence change that results in the deletion of 2 and insertion of 1 amino acid(s) in the CR2 protein (p.Ser1070_Gln1071delinsLys).

NM_001006658.3(CR2):c.3209_3211del (p.Ser1070_Gln1071delinsLys)

Gene: CR2 (complement C3d receptor 2; plus strand). Cytogenetic location: 1q32.2.
Variant type: Deletion.
Coding change: c.3209_3211del on transcript NM_001006658.3 (MANE Select); coding-DNA positions 3209 to 3211, 3 bases deleted (GCC; older notation c.3209_3211delGCC).
Protein change: p.Ser1070_Gln1071delinsLys.
Molecular consequence: inframe indel.
Genome position (GRCh38, 1-based): chr1:207,485,484-207,485,486, GCC deleted. VCF-style (leftmost placement, unchanged base first): chr1-207485483-AGCC-A. GRCh37 (hg19) VCF-style: chr1-207658828-AGCC-A.
Other names: c.3032_3034del, p.Ser1011_Gln1012delinsLys (NM_001877.5).
Identifiers: ClinVar variation 2419620 (VCV002419620.3), dbSNP rs1456915700, ClinGen allele CA730625694.